The following is an entry in ClinVar:

NM_001128174.3(UGT8):c.1260C>T (p.Pro420=)

Gene: UGT8 (UDP glycosyltransferase 8; plus strand). Cytogenetic location: 4q26.
Variant type: single nucleotide variant.
Coding change: c.1260C>T on transcript NM_001128174.3 (MANE Select); coding-DNA position 1260, C replaced by T.
Protein change: p.Pro420=; no amino-acid change (proline 420 retained).
Molecular consequence: synonymous variant.
Genome position (GRCh38, 1-based): chr4:114,668,302, C>T. VCF-style: chr4-114668302-C-T. GRCh37 (hg19) VCF-style: chr4-115589458-C-T.
Other names: NC_000004.11:g.115589458C>T; c.1260C>T, p.Pro420= (NM_001322112.2, NM_001322113.2, NM_001322114.2 and 1 more transcripts).
Identifiers: ClinVar variation 2655047 (VCV002655047.25), dbSNP rs771664388, ClinGen allele CA3053673.

ClinVar aggregate classification (germline): Likely benign (1 of 4 stars; one submission).

Allele frequency attached by ClinVar (database versions not stated): ExAC 0.00001.
gnomAD v4.1: 3 of 1,613,176 alleles (0.00019%); highest among the groups gnomAD compares: Non-Finnish European, 0.00025%; no homozygotes.

Submissions (2):

CeGaT Center for Human Genetics Tuebingen
Classification: Likely benign. Last evaluated: 2022-05-01. Review status: criteria provided, single submitter. Criteria: CeGaT Center For Human Genetics Tuebingen Variant Classification Criteria Version 2. Collection method: clinical testing. Allele origin: germline. Affected: yes. Observed: 1 variant allele.
Comment: UGT8: BP4, BP7

Dr. Peter K. Rogan Lab, Western University
No classification provided (evidence only). Condition: Malignant tumor of esophagus. Review status: no classification provided. Collection method: in vitro. Allele origin: not applicable. Functional consequence: skipped exon, retained intron. Not counted in ClinVar's aggregate classification.